The following is an entry in ClinVar:

ClinVar aggregate classification (germline): Uncertain significance (1 of 4 stars; one submission).

Conditions:
Baller-Gerold syndrome (BGS). Also called: CRANIOSYNOSTOSIS WITH RADIAL DEFECTS. Identifiers: Orphanet 1225, MedGen C0265308, MONDO:0009039, OMIM 218600.

Allele frequency attached by ClinVar (database versions not stated): gnomAD exomes below 0.00001 and 0.00001.

Submission:

Labcorp Genetics (formerly Invitae), Labcorp
Classification: Uncertain significance for Baller-Gerold syndrome. Last evaluated: 2025-06-04. Review status: criteria provided, single submitter. Criteria: Invitae Variant Classification Sherloc (09022015). Collection method: clinical testing. Allele origin: germline.
Comment: This sequence change replaces glycine, which is neutral and non-polar, with aspartic acid, which is acidic and polar, at codon 259 of the RECQL4 protein (p.Gly259Asp). This variant is present in population databases (no rsID available, gnomAD 0.02%). This variant has not been reported in the literature in individuals affected with RECQL4-related conditions. ClinVar contains an entry for this variant (Variation ID: 1464656). Invitae Evidence Modeling of protein sequence and biophysical properties (such as structural, functional, and spatial information, amino acid conservation, physicochemical variation, residue mobility, and thermodynamic stability) indicates that this missense variant is not expected to disrupt RECQL4 protein function with a negative predictive value of 80%. In summary, the available evidence is currently insufficient to determine the role of this variant in disease. Therefore, it has been classified as a Variant of Uncertain Significance.

NM_004260.4(RECQL4):c.776G>A (p.Gly259Asp)

Gene: RECQL4 (RecQ like helicase 4; minus strand). Cytogenetic location: 8q24.3.
Variant type: single nucleotide variant.
Coding change: c.776G>A on transcript NM_004260.4 (MANE Select); coding-DNA position 776, G replaced by A.
Protein change: p.Gly259Asp; replaces glycine 259 with aspartic acid.
Molecular consequence: missense variant.
Genome position (GRCh38, 1-based): chr8:144,516,343, C>T on the plus strand (G>A on the coding strand, the complement: RECQL4 is on the minus strand). VCF-style: chr8-144516343-C-T. GRCh37 (hg19) VCF-style: chr8-145741727-C-T.
Other names: short protein forms G259D.
Identifiers: ClinVar variation 1464656 (VCV001464656.6), dbSNP rs1284898299, ClinGen allele CA372689286.
Genomic context (GRCh38, chr8:144,516,343, plus strand): 5'-CTCTCCTGCTGGACCTGTGCGGGGCTCTCCCAGGGCTCCTCGTTCCATCTCCGCTTCTCG[C>T]CTCCACTGCTGCTGGGCTGGGGGCTCCCCACACGGATGCTGACTTCTTGGAAGGCTGAAG-3'
Protein context (NP_004251.4, residues 249-269): VGSPQPSSSG[Gly259Asp]EKRRWNEEPW